The following is an entry in ClinVar:

NM_032242.4(PLXNA1):c.4864A>G (p.Arg1622Gly)

Gene: PLXNA1 (plexin A1; plus strand). Cytogenetic location: 3q21.3.
Variant type: single nucleotide variant.
Coding change: c.4864A>G on transcript NM_032242.4 (MANE Select); coding-DNA position 4864, A replaced by G.
Protein change: p.Arg1622Gly; replaces arginine 1622 with glycine.
Molecular consequence: missense variant.
Genome position (GRCh38, 1-based): chr3:127,029,530, A>G. VCF-style: chr3-127029530-A-G. GRCh37 (hg19) VCF-style: chr3-126748373-A-G.
Other names: short protein forms R1622G.
Identifiers: ClinVar variation 4988071 (VCV004988071.1).

ClinVar aggregate classification (germline): Uncertain significance (1 of 4 stars; one submission).

Conditions:
PLXNA1-related disorder. Also called: PLXNA1-related condition.

Submission:

PreventionGenetics, part of Exact Sciences
Classification: Uncertain significance for PLXNA1-related condition. Last evaluated: 2026-08-05. Review status: criteria provided, single submitter. Criteria: ACMG Guidelines, 2015. Collection method: clinical testing. Allele origin: germline.
Comment: The PLXNA1 c.4864A>G variant is predicted to result in the amino acid substitution p.Arg1622Gly. To our knowledge, this variant has not been reported in the literature or in a large population database (gnomAD), indicating this variant is rare. At this time, the clinical significance of this variant is uncertain due to the absence of conclusive functional and genetic evidence.